The following is an entry in ClinVar:

NM_004360.5(CDH1):c.508C>T (p.Pro170Ser)

Gene: CDH1 (cadherin 1; plus strand). Cytogenetic location: 16q22.1.
Variant type: single nucleotide variant.
Coding change: c.508C>T on transcript NM_004360.5 (MANE Select); coding-DNA position 508, C replaced by T.
Protein change: p.Pro170Ser; replaces proline 170 with serine.
Molecular consequence: missense variant. On other transcripts: 5 prime UTR variant (2).
Genome position (GRCh38, 1-based): chr16:68,808,544, C>T. VCF-style: chr16-68808544-C-T. GRCh37 (hg19) VCF-style: chr16-68842447-C-T.
Other names: c.508C>T, p.Pro170Ser (NM_001317184.2); c.-1108C>T (NM_001317185.2); c.-1312C>T (NM_001317186.2); short protein forms P170S.
Identifiers: ClinVar variation 966482 (VCV000966482.11), dbSNP rs1284865285, ClinGen allele CA396457775.

ClinVar aggregate classification (germline): Uncertain significance. Review status: criteria provided, multiple submitters, no conflicts (2 of 4 stars). 2 submissions from 2 submitters: Uncertain significance (2). Last evaluated 2025-10-12.

Conditions:
Hereditary cancer-predisposing syndrome. Also called: Hereditary neoplastic syndrome; Hereditary Cancer Syndrome; Tumor predisposition; Neoplastic Syndromes, Hereditary. Identifiers: Orphanet 140162, MedGen C0027672, MeSH D009386, MONDO:0015356.
Hereditary diffuse gastric adenocarcinoma (HDGC). Also called: DIFFUSE GASTRIC AND LOBULAR BREAST CANCER SYNDROME. Identifiers: Orphanet 26106, MedGen C1708349, MONDO:0007648, OMIM 137215.

Allele frequency attached by ClinVar (database versions not stated): gnomAD exomes below 0.00001.
gnomAD v4.1: 5 of 1,614,082 alleles (0.00031%); highest among the groups gnomAD compares: Admixed American, 0.0017%; no homozygotes.

Submissions (2):

Labcorp Genetics (formerly Invitae), Labcorp
Classification: Uncertain significance for Hereditary diffuse gastric adenocarcinoma. Last evaluated: 2025-10-12. Review status: criteria provided, single submitter. Criteria: Invitae Variant Classification Sherloc (09022015). Collection method: clinical testing. Allele origin: germline.
Comment: This sequence change replaces proline, which is neutral and non-polar, with serine, which is neutral and polar, at codon 170 of the CDH1 protein (p.Pro170Ser). This variant is present in population databases (no rsID available, gnomAD 0.003%). This variant has not been reported in the literature in individuals affected with CDH1-related conditions. ClinVar contains an entry for this variant (Variation ID: 966482). An algorithm developed to predict the effect of missense changes on protein structure and function (PolyPhen-2) suggests that this variant is likely to be disruptive. In summary, the available evidence is currently insufficient to determine the role of this variant in disease. Therefore, it has been classified as a Variant of Uncertain Significance.

Ambry Genetics
Classification: Uncertain significance for Hereditary cancer-predisposing syndrome. Last evaluated: 2025-01-16. Review status: criteria provided, single submitter. Criteria: Ambry Variant Classification Scheme 2023. Collection method: clinical testing. Allele origin: germline.
Comment: The p.P170S variant (also known as c.508C>T), located in coding exon 4 of the CDH1 gene, results from a C to T substitution at nucleotide position 508. The proline at codon 170 is replaced by serine, an amino acid with similar properties. This amino acid position is well conserved in available vertebrate species. In addition, this alteration is predicted to be tolerated by in silico analysis. Based on the available evidence, the clinical significance of this variant remains unclear.